The following is an entry in ClinVar:

NM_003118.4(SPARC):c.822C>G (p.Asp274Glu)

Genes: SPARC (secreted protein acidic and cysteine rich; minus strand), LOC126807556 (MED14-independent group 3 enhancer GRCh37_chr5:151042798-151043997; plus strand). Cytogenetic location: 5q33.1.
Variant type: single nucleotide variant.
Coding change: c.822C>G on transcript NM_003118.4 (MANE Select); coding-DNA position 822, C replaced by G.
Protein change: p.Asp274Glu; replaces aspartic acid 274 with glutamic acid.
Molecular consequence: missense variant.
Genome position (GRCh38, 1-based): chr5:151,664,148, G>C on the plus strand (C>G on the coding strand, the complement: SPARC is on the minus strand). VCF-style: chr5-151664148-G-C. GRCh37 (hg19) VCF-style: chr5-151043709-G-C.
Other names: c.819C>G, p.Asp273Glu (NM_001309443.2); c.822C>G, p.Asp274Glu (NM_001309444.2); c.822C>G (NM_003118.2); short protein forms D274E, D273E.
Identifiers: ClinVar variation 2156503 (VCV002156503.2), dbSNP rs756810157, ClinGen allele CA3522565.

ClinVar aggregate classification (germline): Uncertain significance. Review status: criteria provided, multiple submitters, no conflicts (2 of 4 stars). 2 submissions from 2 submitters: Uncertain significance (2). Last evaluated 2024-02-26.

Conditions:
Inborn genetic diseases. Identifiers: MedGen C0950123, MeSH D030342.

Allele frequency attached by ClinVar (database versions not stated): ExAC 0.00002; gnomAD 0.00002; gnomAD exomes 0.00003.
gnomAD v4.1: 46 of 1,614,086 alleles (0.0028%); highest among the groups gnomAD compares: Admixed American, 0.013%; no homozygotes.

Submissions (2):

Ambry Genetics
Classification: Uncertain significance for Inborn genetic diseases. Last evaluated: 2024-02-26. Review status: criteria provided, single submitter. Criteria: Ambry Variant Classification Scheme 2023. Collection method: clinical testing. Allele origin: germline.

Labcorp Genetics (formerly Invitae), Labcorp
Classification: Uncertain significance. Last evaluated: 2022-07-18. Review status: criteria provided, single submitter. Criteria: Invitae Variant Classification Sherloc (09022015). Collection method: clinical testing. Allele origin: germline.
Comment: This sequence change replaces aspartic acid, which is acidic and polar, with glutamic acid, which is acidic and polar, at codon 274 of the SPARC protein (p.Asp274Glu). This variant is present in population databases (rs756810157, gnomAD 0.006%). This variant has not been reported in the literature in individuals affected with SPARC-related conditions. Algorithms developed to predict the effect of missense changes on protein structure and function (SIFT, PolyPhen-2, Align-GVGD) all suggest that this variant is likely to be disruptive. In summary, the available evidence is currently insufficient to determine the role of this variant in disease. Therefore, it has been classified as a Variant of Uncertain Significance.